The following is an entry in ClinVar:

NM_206933.4(USH2A):c.10423A>G (p.Arg3475Gly)

Gene: USH2A (usherin; minus strand). Cytogenetic location: 1q41.
Variant type: single nucleotide variant.
Coding change: c.10423A>G on transcript NM_206933.4 (MANE Select); coding-DNA position 10423, A replaced by G.
Protein change: p.Arg3475Gly; replaces arginine 3475 with glycine.
Molecular consequence: missense variant.
Genome position (GRCh38, 1-based): chr1:215,782,900, T>C on the plus strand (A>G on the coding strand, the complement: USH2A is on the minus strand). VCF-style: chr1-215782900-T-C. GRCh37 (hg19) VCF-style: chr1-215956242-T-C.
Other names: c.10423A>G (NM_206933.2); short protein forms R3475G.
Identifiers: ClinVar variation 1056394 (VCV001056394.15), dbSNP rs141098637, ClinGen allele CA1394015.
Genomic context (GRCh38, chr1:215,782,900, plus strand): 5'-TTGTTCTGGCTCTCACAGCTTTGCTGAGTCCTCGCCCATAGCTGTTCCAGGCAGAAATCC[T>C]GTACTCATATGTCATGTAGGGCTTGAGGTTCACATCTGGAAAGAGAAAAAATAGACAGGG-3'
Protein context (NP_996816.3, residues 3465-3485): NLKPYMTYEY[Arg3475Gly]ISAWNSYGRG

ClinVar aggregate classification (germline): Conflicting classifications of pathogenicity. Review status: criteria provided, conflicting classifications (1 of 4 stars). 6 submissions from 5 submitters: Likely pathogenic (1); Uncertain significance (5). Last evaluated 2025-12-28.

Conditions:
Retinitis pigmentosa 39 (RP39). Identifiers: Orphanet 791, MedGen C3151138, MONDO:0013436, OMIM 613809.
Inborn genetic diseases. Identifiers: MedGen C0950123, MeSH D030342.
Usher syndrome type 2A. Also called: RETINAL DISEASE IN USHER SYNDROME TYPE IIA, MODIFIER OF; USHER SYNDROME, TYPE IIA. Identifiers: Orphanet 231178, Orphanet 886, MedGen C1848634, MONDO:0010169, OMIM 276901.
USH2A-related disorder. Also called: USH2A-related disorders; USH2A-related condition. Identifiers: MedGen CN239332.

Allele frequency attached by ClinVar (database versions not stated): ExAC 0.00001; gnomAD 0.00001; TOPMed 0.00001; ESP Exome Variant Server 0.00008.
gnomAD v4.1: 3 of 1,613,670 alleles (0.00019%); highest among the groups gnomAD compares: African/African-American, 0.004%; no homozygotes.

Submissions (6):

PreventionGenetics, part of Exact Sciences
Classification: Uncertain significance for USH2A-related condition. Last evaluated: 2025-12-28. Review status: criteria provided, single submitter. Criteria: ACMG Guidelines, 2015. Collection method: clinical testing. Allele origin: germline.
Comment: The USH2A c.10423A>G variant is predicted to result in the amino acid substitution p.Arg3475Gly. To our knowledge, this variant has not been reported in the literature. This variant is reported in 0.012% of alleles in individuals of African descent in gnomAD. At this time, the clinical significance of this variant is uncertain due to the absence of conclusive functional and genetic evidence.

Labcorp Genetics (formerly Invitae), Labcorp
Classification: Uncertain significance. Last evaluated: 2024-06-24. Review status: criteria provided, single submitter. Criteria: Invitae Variant Classification Sherloc (09022015). Collection method: clinical testing. Allele origin: germline.
Comment: This sequence change replaces arginine, which is basic and polar, with glycine, which is neutral and non-polar, at codon 3475 of the USH2A protein (p.Arg3475Gly). This variant is present in population databases (rs141098637, gnomAD 0.007%). This missense change has been observed in individuals with retinitis pigmentosa (Invitae). ClinVar contains an entry for this variant (Variation ID: 1056394). Advanced modeling of protein sequence and biophysical properties (such as structural, functional, and spatial information, amino acid conservation, physicochemical variation, residue mobility, and thermodynamic stability) has been performed at Invitae for this missense variant, however the output from this modeling did not meet the statistical confidence thresholds required to predict the impact of this variant on USH2A protein function. In summary, the available evidence is currently insufficient to determine the role of this variant in disease. Therefore, it has been classified as a Variant of Uncertain Significance.

Genome-Nilou Lab
Classification: Uncertain significance for Retinitis pigmentosa 39. Last evaluated: 2023-11-04. Review status: criteria provided, single submitter. Criteria: ACMG Guidelines, 2015. Collection method: clinical testing. Allele origin: germline. Affected: no.

Genome-Nilou Lab
Classification: Uncertain significance for Usher syndrome type 2A. Last evaluated: 2023-11-04. Review status: criteria provided, single submitter. Criteria: ACMG Guidelines, 2015. Collection method: clinical testing. Allele origin: germline. Affected: no.

Ambry Genetics
Classification: Uncertain significance for Inborn genetic diseases. Last evaluated: 2022-04-22. Review status: criteria provided, single submitter. Criteria: Ambry Variant Classification Scheme 2023. Collection method: clinical testing. Allele origin: germline.

Blueprint Genetics
Classification: Likely pathogenic for USH2A-related disorders. Last evaluated: 2019-09-30. Review status: criteria provided, single submitter. Criteria: ACMG Guidelines, 2015. Collection method: clinical testing. Allele origin: germline. Affected: yes. Observed: 2 variant alleles.